The following is an entry in ClinVar:

ClinVar aggregate classification (germline): Benign. Review status: criteria provided, multiple submitters, no conflicts (2 of 4 stars). 6 submissions from 4 submitters: Benign (6). Last evaluated 2026-01-26.

Conditions:
Glucocorticoid-remediable aldosteronism. Also called: Hyperaldosteronism, familial, type I; ACTH-DEPENDENT HYPERALDOSTERONISM SYNDROME; ALDOSTERONISM, SENSITIVE TO DEXAMETHASONE; FH I; GLUCOCORTICOID-SUPPRESSIBLE HYPERALDOSTERONISM. Identifiers: Orphanet 403, MedGen C3838731, MONDO:0007080, OMIM 103900.
Corticosterone methyloxidase type 2 deficiency. Also called: 18-OXIDASE DEFICIENCY; ALDOSTERONE DEFICIENCY DUE TO DEFICIENCY OF STEROID 18-OXIDASE; ALDOSTERONE DEFICIENCY II; CMO II DEFICIENCY; STEROID 18-OXIDASE DEFICIENCY. Identifiers: Orphanet 427, MedGen C3463917, MONDO:0012524, OMIM 610600. Disease mechanism: loss of function.
Corticosterone 18-monooxygenase deficiency. Also called: ALDOSTERONE DEFICIENCY DUE TO DEFECT IN STEROID 18-HYDROXYLASE; ALDOSTERONE DEFICIENCY I; CMO I DEFICIENCY; STEROID 18-HYDROXYLASE DEFICIENCY; 18 Hydroxylase deficiency; Aldosterone deficiency due to defect in 18 hydroxylase. Identifiers: Orphanet 427, MedGen C0268293, MONDO:0008751, OMIM 203400. Disease mechanism: loss of function.

Allele frequency attached by ClinVar (database versions not stated): gnomAD exomes 0.00086 and 0.00199; ExAC 0.00228; 1000 Genomes Project 30x 0.00593; 1000 Genomes Project 0.00639; gnomAD 0.00712 and 0.00766; TOPMed 0.00808; ESP Exome Variant Server 0.00815.
gnomAD v4.1: 2,391 of 1,614,024 alleles (0.15%); highest among the groups gnomAD compares: African/African-American, 2.3%; 21 homozygotes.

Submissions (6):

Labcorp Genetics (formerly Invitae), Labcorp
Classification: Benign. Last evaluated: 2026-01-26. Review status: criteria provided, single submitter. Criteria: Invitae Variant Classification Sherloc (09022015). Collection method: clinical testing. Allele origin: germline.

Mayo Clinic Laboratories, Mayo Clinic
Classification: Benign. Last evaluated: 2023-11-03. Review status: criteria provided, single submitter. Criteria: ACMG Guidelines, 2015. Collection method: clinical testing. Allele origin: germline. Observed: 3 variant alleles.
Comment: BS1, BS2, BP4, BP7

Illumina Laboratory Services, Illumina
Classification: Benign for Corticosterone methyloxidase type 2 deficiency. Last evaluated: 2018-01-13. Review status: criteria provided, single submitter. Criteria: ICSL Variant Classification Criteria 13 December 2019. Collection method: clinical testing. Allele origin: germline.
Comment: This variant was observed in the ICSL laboratory as part of a predisposition screen in an ostensibly healthy population. It had not been previously curated by ICSL or reported in the Human Gene Mutation Database (HGMD: prior to June 1st, 2018), and was therefore a candidate for classification through an automated scoring system. Utilizing variant allele frequency, disease prevalence and penetrance estimates, and inheritance mode, an automated score was calculated to assess if this variant is too frequent to cause the disease. Based on the score and internal cut-off values, a variant classified as benign is not then subjected to further curation. The score for this variant resulted in a classification of benign for this disease.

Illumina Laboratory Services, Illumina
Classification: Benign for Corticosterone 18-monooxygenase deficiency. Last evaluated: 2018-01-13. Review status: criteria provided, single submitter. Criteria: ICSL Variant Classification Criteria 13 December 2019. Collection method: clinical testing. Allele origin: germline.
Comment: the same text as in the submission from Illumina Laboratory Services, Illumina above.

Illumina Laboratory Services, Illumina
Classification: Benign for Hyperaldosteronism, familial, type I. Last evaluated: 2018-01-13. Review status: criteria provided, single submitter. Criteria: ICSL Variant Classification Criteria 13 December 2019. Collection method: clinical testing. Allele origin: germline.
Comment: the same text as in the submission from Illumina Laboratory Services, Illumina above.

Breakthrough Genomics
Classification: Benign. Review status: criteria provided, single submitter. Criteria: ACMG Guidelines, 2015. Collection method: not provided. Allele origin: germline. Inheritance: Autosomal recessive inheritance. Affected: yes.

NM_000498.3(CYP11B2):c.1080C>T (p.Thr360=)

Genes: CYP11B2 (cytochrome P450 family 11 subfamily B member 2; minus strand), LOC106799834 (CYP11B2 recombination region; plus strand). Cytogenetic location: 8q24.3.
Variant type: single nucleotide variant.
Coding change: c.1080C>T on transcript NM_000498.3 (MANE Select); coding-DNA position 1080, C replaced by T.
Protein change: p.Thr360=; no amino-acid change (threonine 360 retained).
Molecular consequence: synonymous variant.
Genome position (GRCh38, 1-based): chr8:142,913,326, G>A on the plus strand (C>T on the coding strand, the complement: CYP11B2 is on the minus strand). VCF-style: chr8-142913326-G-A. GRCh37 (hg19) VCF-style: chr8-143994742-G-A.
Other names: p.Thr360=.
Identifiers: ClinVar variation 362198 (VCV000362198.17), dbSNP rs142179598, ClinGen allele CA4905948.